The following is an entry in ClinVar:

NM_000532.5(PCCB):c.603T>C (p.Ala201=)

Gene: PCCB (propionyl-CoA carboxylase subunit beta; plus strand). Cytogenetic location: 3q22.3.
Variant type: single nucleotide variant.
Coding change: c.603T>C on transcript NM_000532.5 (MANE Select); coding-DNA position 603, T replaced by C.
Protein change: p.Ala201=; no amino-acid change (alanine 201 retained).
Molecular consequence: synonymous variant.
Genome position (GRCh38, 1-based): chr3:136,283,896, T>C. VCF-style: chr3-136283896-T-C. GRCh37 (hg19) VCF-style: chr3-136002738-T-C.
Other names: c.663T>C, p.Ala221= (NM_001178014.2).
Identifiers: ClinVar variation 343468 (VCV000343468.16), dbSNP rs141340198, ClinGen allele CA2631795.

ClinVar aggregate classification (germline): Conflicting classifications of pathogenicity. Review status: criteria provided, conflicting classifications (1 of 4 stars). 3 submissions from 3 submitters: Uncertain significance (1); Likely benign (2). Last evaluated 2026-06-11.

Conditions:
Propionic acidemia (PROP). Also called: GLYCINEMIA, KETOTIC; HYPERGLYCINEMIA WITH KETOACIDOSIS AND LEUKOPENIA; KETOTIC HYPERGLYCINEMIA. Identifiers: Orphanet 35, MedGen C0268579, MONDO:0011628, OMIM 606054, HP:0003571.
PCCB-related disorder. Also called: PCCB-related condition.

Allele frequency attached by ClinVar (database versions not stated): gnomAD exomes 0.00005 and 0.00015; ExAC 0.00016; ESP Exome Variant Server 0.00023; 1000 Genomes Project 30x 0.00078; 1000 Genomes Project 0.00080; gnomAD 0.00049 and 0.00050; TOPMed 0.00053.
gnomAD v4.1: 147 of 1,613,896 alleles (0.0091%); highest among the groups gnomAD compares: African/African-American, 0.17%; 1 homozygote.

Submissions (3):

PreventionGenetics, part of Exact Sciences
Classification: Likely benign for PCCB-related condition. Last evaluated: 2026-06-11. Review status: criteria provided, single submitter. Criteria: ACMG Guidelines, 2015. Collection method: clinical testing. Allele origin: germline.
Comment: This variant is classified as likely benign based on ACMG/AMP sequence variant interpretation guidelines (Richards et al. 2015 PMID: 25741868, with internal and published modifications).

Labcorp Genetics (formerly Invitae), Labcorp
Classification: Likely benign for Propionic acidemia. Last evaluated: 2026-01-14. Review status: criteria provided, single submitter. Criteria: Invitae Variant Classification Sherloc (09022015). Collection method: clinical testing. Allele origin: germline.

Illumina Laboratory Services, Illumina
Classification: Uncertain significance for Propionic acidemia. Last evaluated: 2018-01-13. Review status: criteria provided, single submitter. Criteria: ICSL Variant Classification Criteria 13 December 2019. Collection method: clinical testing. Allele origin: germline.